The following is an entry in ClinVar:

ClinVar aggregate classification (germline): Pathogenic. Review status: criteria provided, multiple submitters, no conflicts (2 of 4 stars). 10 submissions from 10 submitters: Pathogenic (7). 3 of the submissions do not count toward it. Last evaluated 2025-12-29.

Conditions:
Beta-thalassemia HBB/LCRB. Identifiers: MedGen CN322236, MONDO:0013517, OMIM 613985.
Beta-thalassemia major. Identifiers: Orphanet 231214, MedGen C0002875, MONDO:0016486.
Beta zero thalassemia. Identifiers: MedGen C0271980.
beta Thalassemia (BTHAL). Also called: Cooley's anemia; Erythroblastic anemia; Mediterranean anemia. Identifiers: Orphanet 848, MedGen C0005283, MONDO:0019402. Disease mechanism: loss of function.

Allele frequency attached by ClinVar (database versions not stated): gnomAD 0.00001; 1000 Genomes Project 0.00020; 1000 Genomes Project 30x 0.00031; gnomAD exomes below 0.00001; ExAC 0.00001.

Submissions (10):

Center for Genomic Medicine, Rigshospitalet, Copenhagen University Hospital
Classification: Pathogenic. Last evaluated: 2025-12-29. Review status: criteria provided, single submitter. Criteria: ACMG Guidelines, 2015. Collection method: clinical testing. Allele origin: germline.
Comment: Classification criteria: PVS1, PM2_Supporting, PM4_Moderate

Quest Diagnostics Nichols Institute San Juan Capistrano
Classification: Pathogenic. Last evaluated: 2025-11-06. Review status: criteria provided, single submitter. Criteria: Quest Diagnostics criteria. Collection method: clinical testing. Allele origin: unknown.
Comment: The HBB c.93-1G>C (aka IVS-I-130) variant disrupts a canonical splice-acceptor site and interferes with normal HBB mRNA splicing. In the published literature, this variant is reported as heterozygous or along with other HBB variants and is associated with beta(0)-thalassemia (PMIDs: 1517108 (1992), 1577489 (1992), 9140720 (1997), 23510507 (2013), 26182339 (2015), 28276871 (2016), 27828729 (2017), 38708170 (2024), 39359944 (2024)).The frequency of this variant in the general population (Genome Aggregation Database) is consistent with pathogenicity. Based on the available information, this variant is classified as pathogenic.

CeGaT Center for Human Genetics Tuebingen
Classification: Pathogenic. Last evaluated: 2025-06-01. Review status: criteria provided, single submitter. Criteria: CeGaT Center For Human Genetics Tuebingen Variant Classification Criteria Version 2. Collection method: clinical testing. Allele origin: germline. Affected: yes. Observed: 1 variant allele.
Comment: HBB: PM3:Very Strong, PVS1:Strong, PM2, PP4, PS1:Supporting

Natera, Inc.
Classification: Pathogenic for Beta thalassemia. Last evaluated: 2025-05-25. Review status: criteria provided, single submitter. Criteria: Natera Variant Classification Schema (03/2026). Collection method: clinical testing. Allele origin: germline.
Comment: The c.93-1G>C variant in HBB is a canonical splice acceptor site variant predicted to affect pre-mRNA splicing, which may result in an abnormal transcript and altered protein product. This variant is expected to result in nonsense mediated decay, truncation, or a dysfunctional protein product. This variant is rare in the general population with a frequency below the threshold expected for the associated phenotype(s). This variant has been observed in one or more individuals affected with the associated recessive disease, as either homozygous or compound heterozygous with a second variant (PMID: 35378860, 25825561, 24719849). Given the available evidence, this variant is classified as Pathogenic.

Labcorp Genetics (formerly Invitae), Labcorp
Classification: Pathogenic. Last evaluated: 2022-12-16. Review status: criteria provided, single submitter. Criteria: Invitae Variant Classification Sherloc (09022015). Collection method: clinical testing. Allele origin: germline.
Comment: Algorithms developed to predict the effect of sequence changes on RNA splicing suggest that this variant may disrupt the consensus splice site. For these reasons, this variant has been classified as Pathogenic. ClinVar contains an entry for this variant (Variation ID: 439166). This sequence change affects an acceptor splice site in intron 1 of the HBB gene. It is expected to disrupt RNA splicing. Variants that disrupt the donor or acceptor splice site typically lead to a loss of protein function (PMID: 16199547), and loss-of-function variants in HBB are known to be pathogenic (PMID: 23637309). This variant is present in population databases (rs33943001, gnomAD 0.003%). Disruption of this splice site has been observed in individuals with autosomal recessive beta thalassemia (PMID: 2283297, 9163586, 28391758, 28670940). This variant is also known as IVS-I-130G>C.

Women's Health and Genetics/Laboratory Corporation of America, LabCorp
Classification: Pathogenic for Beta-thalassemia major. Last evaluated: 2021-04-01. Review status: criteria provided, single submitter. Criteria: LabCorp Variant Classification Summary - May 2015. Collection method: clinical testing. Allele origin: germline.
Comment: Variant summary: HBB c.93-1G>C is located in a canonical splice-site and is predicted to affect mRNA splicing resulting in a significantly altered protein due to either exon skipping, shortening, or inclusion of intronic material. Several computational tools predict a significant impact on normal splicing: Four predict the variant abolishes a 3 acceptor site. However, these predictions have yet to be confirmed by functional studies. The variant allele was found at a frequency of 4e-06 in 251326 control chromosomes (gnomAD). c.93-1G>C has been reported in the literature in multiple affected individuals (Sankaran_2011, Najmabadi_2002, el-Kalla_1997, Oner_1990, Hussain_2017). These data indicate that the variant is very likely to be associated with disease. Three ClinVar submitters (evaluation after 2014) cite the variant as pathogenic. Based on the evidence outlined above, the variant was classified as pathogenic.

ARUP Laboratories, Molecular Genetics and Genomics, ARUP Laboratories
Classification: Pathogenic. Last evaluated: 2020-01-21. Review status: criteria provided, single submitter. Criteria: ARUP Molecular Germline Variant Investigation Process. Collection method: clinical testing. Allele origin: germline.
Comment: The HBB c.93-1G>C variant (rs33943001), also known as IVS-I-130 (G>C), has been reported in individuals with beta-thalassemia trait when identified in a heterozygous state (He 2015, HbVar database and references therein), and beta thalassemia major when found in-trans with a truncating beta globin variant (Asadov 2013). It is listed as pathogenic in ClinVar (Variation ID: 439166), and observed once in the 1000 Genomes Project (1/5008 alleles), and once in the Genome Aggregation Database (1/246102 alleles). The variant is located in the splice consensus sequence, and computational algorithms (Mutation Taster, NNSplice, NetGene2, SpliceSiteFinder-like, MaxEntScan, GeneSplicer, Human Splicing Finder) predict it abolishes the canonical splice acceptor site. Based on the above information, the c.93-1G>C variant is classified as pathogenic. References: Link to HbVar database for IVS-I-130 (G>C): Asadov C et al. Identification of two rare beta-globin gene mutations in a patient with beta-thalassemia intermedia from Azerbaijan. Hemoglobin. 2013; 37(3):291-6. He S et al. First Detection of a Splice Acceptor Site beta-Thalassemia Mutation: IVS-I-130 (HBB: c.93-1G > C) in a Chinese Patient. Hemoglobin.

MOLECULAR BIOLOGY AND HUMAN GENETICS DIVISION, THE UNIVERSITY OF BURDWAN
Classification: Pathogenic for Beta-thalassemia HBB/LCRB. Last evaluated: 2024-05-07. Review status: no assertion criteria provided. Collection method: clinical testing. Allele origin: germline. Affected: yes. Observed: 12 variant alleles. Not counted in ClinVar's aggregate classification.
Comment: The variant The HBB:c.93-1G>C (p.Trp16Ter) is beta0 type of mutation. The variant is located in the splice junction. When this variant present with other pathogenic HBB mutation leads to severe type of thalassemia. Patients needing blood transfusion, often presented with hepatosplenomegaly, Iron overload. The frequency of the variant among thalassemia patient in Eastern India is 1.194 % as per our multicentric project - A Genetic Diagnostic Algorithm Based Study for Thalassemia in Northern and Eastern Indian Populations, Funded by Dept. of Biotechnology , Govt of India [Project No. BT/PR26461/MED/12/821/2018]

The ITHANET community portal, The Cyprus Institute of Neurology and Genetics
Classification: Pathogenic for beta Thalassemia. Last evaluated: 2019-11-25. Review status: no assertion criteria provided. Collection method: curation. Allele origin: germline. Not counted in ClinVar's aggregate classification.

OMIM
Classification: Pathogenic for BETA-ZERO-THALASSEMIA. Last evaluated: 1992-05-01. Review status: no assertion criteria provided. Collection method: literature only. Allele origin: germline. Not counted in ClinVar's aggregate classification.

Literature cited by the submitters: PubMed 28391758 (cited by 3 submitters); PubMed 23510507 (cited by Center for Genomic Medicine, Rigshospitalet, Copenhagen University Hospital and Quest Diagnostics Nichols Institute San Juan Capistrano); PubMed 1517108 (cited by Quest Diagnostics Nichols Institute San Juan Capistrano and The ITHANET community portal, The Cyprus Institute of Neurology and Genetics); PubMed 38708170 (cited by Quest Diagnostics Nichols Institute San Juan Capistrano); PubMed 39359944 (cited by Quest Diagnostics Nichols Institute San Juan Capistrano); PubMed 28276871 (cited by Quest Diagnostics Nichols Institute San Juan Capistrano); PubMed 9140720 (cited by 4 submitters); PubMed 28670940 (cited by 3 submitters); PubMed 32190157 (cited by Quest Diagnostics Nichols Institute San Juan Capistrano); PubMed 1577489 (cited by 3 submitters); PubMed 26182339 (cited by Quest Diagnostics Nichols Institute San Juan Capistrano); PubMed 27828729 (cited by Quest Diagnostics Nichols Institute San Juan Capistrano); PubMed 35378860 (cited by Natera, Inc.); PubMed 25825561 (cited by Natera, Inc.); PubMed 24719849 (cited by Natera, Inc.); PubMed 16199547 (cited by Labcorp Genetics (formerly Invitae), Labcorp); PubMed 23637309 (cited by Labcorp Genetics (formerly Invitae), Labcorp); PubMed 2283297 (cited by Labcorp Genetics (formerly Invitae), Labcorp); PubMed 9163586 (cited by Labcorp Genetics (formerly Invitae), Labcorp); PubMed 9101288 (cited by Women's Health and Genetics/Laboratory Corporation of America, LabCorp); PubMed 2200760 (cited by Women's Health and Genetics/Laboratory Corporation of America, LabCorp); PubMed 20437613 (cited by Women's Health and Genetics/Laboratory Corporation of America, LabCorp); PubMed 20704537 (cited by Women's Health and Genetics/Laboratory Corporation of America, LabCorp); PubMed 16311287 (cited by Women's Health and Genetics/Laboratory Corporation of America, LabCorp); PubMed 21119755 (cited by Women's Health and Genetics/Laboratory Corporation of America, LabCorp); PubMed 18294253 (cited by Women's Health and Genetics/Laboratory Corporation of America, LabCorp); PubMed 19254853 (cited by Women's Health and Genetics/Laboratory Corporation of America, LabCorp); PubMed 12368169 (cited by Women's Health and Genetics/Laboratory Corporation of America, LabCorp); PubMed 14734204 (cited by Women's Health and Genetics/Laboratory Corporation of America, LabCorp); PubMed 18096416 (cited by Women's Health and Genetics/Laboratory Corporation of America, LabCorp); PubMed 19486366 (cited by Women's Health and Genetics/Laboratory Corporation of America, LabCorp); PubMed 21879898 (cited by Women's Health and Genetics/Laboratory Corporation of America, LabCorp).

NM_000518.5(HBB):c.93-1G>C

Genes: HBB (hemoglobin subunit beta; minus strand), LOC106099062 (HBB recombination region; plus strand), LOC107133510 (origin of replication at HBB; plus strand). Cytogenetic location: 11p15.4.
Variant type: single nucleotide variant.
Coding change: c.93-1G>C on transcript NM_000518.5 (MANE Select); the canonical splice acceptor site of the intron before coding-DNA position 93, G replaced by C.
Molecular consequence: splice acceptor variant.
Genome position (GRCh38, 1-based): chr11:5,226,800, C>G on the plus strand (G>C on the coding strand, the complement: HBB is on the minus strand). VCF-style: chr11-5226800-C-G. GRCh37 (hg19) VCF-style: chr11-5248030-C-G.
Other names: IVS I-130 G>C; IVS1AS, G-C, -1.
Identifiers: ClinVar variation 439166 (VCV000439166.42), dbSNP rs33943001, ClinGen allele CA5839768.